The following is an entry in ClinVar:

ClinVar aggregate classification (germline): Pathogenic (1 of 4 stars; one submission).

Conditions:
Pitt-Hopkins syndrome (PTHS). Also called: ENCEPHALOPATHY, SEVERE EPILEPTIC, WITH AUTONOMIC DYSFUNCTION; MENTAL RETARDATION, SYNDROMAL, WITH INTERMITTENT HYPERVENTILATION. Identifiers: Orphanet 2896, MedGen C1970431, MONDO:0012589, OMIM 610954.

Submission:

Labcorp Genetics (formerly Invitae), Labcorp
Classification: Pathogenic for Pitt-Hopkins syndrome. Last evaluated: 2024-05-08. Review status: criteria provided, single submitter. Criteria: Invitae Variant Classification Sherloc (09022015). Collection method: clinical testing. Allele origin: germline.
Comment: This sequence change creates a premature translational stop signal (p.Gly413Trpfs*15) in the TCF4 gene. It is expected to result in an absent or disrupted protein product. Loss-of-function variants in TCF4 are known to be pathogenic (PMID: 18728071, 22045651). This variant is not present in population databases (gnomAD no frequency). This variant has not been reported in the literature in individuals affected with TCF4-related conditions. For these reasons, this variant has been classified as Pathogenic.

Literature cited by the submitters: PubMed 18728071; PubMed 22045651.

NM_001083962.2(TCF4):c.1235dup (p.Gly413fs)

Gene: TCF4 (transcription factor 4; minus strand). Cytogenetic location: 18q21.2.
Variant type: Duplication.
Coding change: c.1235dup on transcript NM_001083962.2 (MANE Select); coding-DNA position 1235, one base duplicated (C; older notation c.1235dupC).
Protein change: p.Gly413fs; shifts the reading frame from glycine 413.
Molecular consequence: frameshift variant.
Genome position (GRCh38, 1-based): chr18:55,254,612, G duplicated on the plus strand (C on the coding strand, the reverse complement: TCF4 is on the minus strand); the first of 2 consecutive G bases (chr18:55,254,612-55,254,613); duplicating either gives the same sequence. VCF-style (leftmost placement, unchanged base first): chr18-55254611-A-AG. GRCh37 (hg19) VCF-style: chr18-52921842-A-AG.
Other names: c.1541dup, p.Gly515fs (NM_001243226.3); c.1163dup, p.Gly389fs (NM_001243227.2, NM_001306207.1, NM_001348217.1 and 5 more transcripts); c.1253dup, p.Gly419fs (NM_001243228.2); c.1226dup, p.Gly410fs (NM_001243230.2); c.1109dup, p.Gly371fs (NM_001243231.2, NM_001348211.2); c.1022dup, p.Gly342fs (NM_001243232.1, NM_001306208.1); c.845dup, p.Gly283fs (NM_001243233.2, NM_001330605.3, NM_001348212.2 and 1 more transcripts); c.755dup, p.Gly253fs (NM_001243234.2, NM_001243235.2, NM_001243236.2 and 1 more transcripts); and 6 more; short protein forms G253fs, G283fs, G390fs, G413fs, G252fs, G388fs, G389fs, G410fs.
Identifiers: ClinVar variation 3652655 (VCV003652655.2).